The following is an entry in ClinVar:

NM_012203.2(GRHPR):c.391G>A (p.Glu131Lys)

Gene: GRHPR (glyoxylate and hydroxypyruvate reductase; plus strand). Cytogenetic location: 9p13.2.
Variant type: single nucleotide variant.
Coding change: c.391G>A on transcript NM_012203.2 (MANE Select); coding-DNA position 391, G replaced by A.
Protein change: p.Glu131Lys; replaces glutamic acid 131 with lysine.
Molecular consequence: missense variant.
Genome position (GRCh38, 1-based): chr9:37,426,641, G>A. VCF-style: chr9-37426641-G-A. GRCh37 (hg19) VCF-style: chr9-37426638-G-A.
Other names: short protein forms E131K.
Identifiers: ClinVar variation 968445 (VCV000968445.11), dbSNP rs369339903, ClinGen allele CA5059030.
Genomic context (GRCh38, chr9:37,426,641, plus strand): 5'-ACCGCCGAACTCGCAGTCTCCCTGCTACTTACCACCTGCCGCCGGTTGCCGGAGGCCATC[G>A]AGGAAGTGAAGAAGTAAGTGAACGCAGACCAGGTGCGGTGGCTCACGGCTGTAATCCCAG-3'
Protein context (NP_036335.1, residues 121-141): TTCRRLPEAI[Glu131Lys]EVKNGGWTSW

ClinVar aggregate classification (germline): Conflicting classifications of pathogenicity. Review status: criteria provided, conflicting classifications (1 of 4 stars). 4 submissions from 4 submitters: Uncertain significance (2); Likely benign (1). 1 of the submissions does not count toward it. Last evaluated 2026-01-20.

Conditions:
Nephrolithiasis/nephrocalcinosis. Identifiers: MedGen CN580796.
Primary hyperoxaluria, type II (HP2). Also called: Primary hyperoxaluria type 2; OXALOSIS II; D-GLYCERATE DEHYDROGENASE DEFICIENCY; GLYCERIC ACIDURIA; GLYOXYLATE REDUCTASE/HYDROXYPYRUVATE REDUCTASE DEFICIENCY. Identifiers: Orphanet 416, Orphanet 93599, MedGen C0268165, MONDO:0009824, OMIM 260000. Disease mechanism: loss of function.

Allele frequency attached by ClinVar (database versions not stated): gnomAD exomes 0.00006; ESP Exome Variant Server 0.00008; ExAC 0.00009; TOPMed 0.00022; gnomAD 0.00023 and 0.00025; 1000 Genomes Project 30x 0.00047; 1000 Genomes Project 0.00060.
gnomAD v4.1: 98 of 1,606,160 alleles (0.0061%); highest among the groups gnomAD compares: African/African-American, 0.077%; no homozygotes.

Submissions (4):

Labcorp Genetics (formerly Invitae), Labcorp
Classification: Likely benign. Last evaluated: 2026-01-20. Review status: criteria provided, single submitter. Criteria: Invitae Variant Classification Sherloc (09022015). Collection method: clinical testing. Allele origin: germline.

Ambry Genetics
Classification: Uncertain significance for Nephrolithiasis/nephrocalcinosis. Last evaluated: 2025-02-19. Review status: criteria provided, single submitter. Criteria: Ambry Variant Classification Scheme 2023. Collection method: clinical testing. Allele origin: germline.

GeneDx
Classification: Uncertain significance. Last evaluated: 2022-02-01. Review status: criteria provided, single submitter. Criteria: GeneDx Variant Classification Process June 2021. Collection method: clinical testing. Allele origin: germline. Affected: yes.
Comment: In silico analysis supports that this missense variant does not alter protein structure/function; Has not been previously published as pathogenic or benign to our knowledge

Natera, Inc.
Classification: Likely benign for Primary hyperoxaluria type II. Last evaluated: 2020-11-10. Review status: no assertion criteria provided. Collection method: clinical testing. Allele origin: germline. Not counted in ClinVar's aggregate classification.